The following is an entry in ClinVar:

ClinVar aggregate classification (germline): Benign. Review status: criteria provided, multiple submitters, no conflicts (2 of 4 stars). 3 submissions from 3 submitters: Benign (3). Last evaluated 2021-08-19.

Conditions:
Myoglobinuria, acute recurrent, autosomal recessive. Also called: Myoglobinuria, recurrent, autosomal recessive; MYOGLOBINURIA, FAMILIAL PAROXYSMAL PARALYTIC; RHABDOMYOLYSIS, ACUTE RECURRENT. Identifiers: Orphanet 99845, MedGen C1849386, MONDO:0009992, OMIM 268200.

Allele frequency attached by ClinVar (database versions not stated): TOPMed 0.17178; ExAC 0.24743; 1000 Genomes Project 0.16294; gnomAD 0.17649 and 0.18086; gnomAD exomes 0.22423 and 0.21246; 1000 Genomes Project 30x 0.15412.
gnomAD v4.1: 299,425 of 1,434,026 alleles (21%); highest among the groups gnomAD compares: Admixed American, 26%; 32,933 homozygotes.

Submissions (3):

Genome-Nilou Lab
Classification: Benign for Myoglobinuria, acute recurrent, autosomal recessive. Last evaluated: 2021-08-19. Review status: criteria provided, single submitter. Criteria: ACMG Guidelines, 2015. Collection method: clinical testing. Allele origin: germline. Affected: no.

GeneDx
Classification: Benign. Last evaluated: 2018-06-14. Review status: criteria provided, single submitter. Criteria: GeneDx Variant Classification (06012015). Collection method: clinical testing. Allele origin: germline. Affected: yes.
Comment: This variant is considered likely benign or benign based on one or more of the following criteria: it is a conservative change, it occurs at a poorly conserved position in the protein, it is predicted to be benign by multiple in silico algorithms, and/or has population frequency not consistent with disease.

Breakthrough Genomics
Classification: Benign. Review status: criteria provided, single submitter. Criteria: ACMG Guidelines, 2015. Collection method: not provided. Allele origin: germline. Inheritance: Autosomal recessive inheritance. Affected: yes.

NM_001261428.3(LPIN1):c.138+26G>A

Gene: LPIN1 (lipin 1; plus strand). Cytogenetic location: 2p25.1.
Variant type: single nucleotide variant.
Coding change: c.138+26G>A on transcript NM_001261428.3; 26 bases into the intron after coding-DNA position 138, G replaced by A.
Molecular consequence: intron variant.
Genome position (GRCh38, 1-based): chr2:11,713,838, G>A. VCF-style: chr2-11713838-G-A. GRCh37 (hg19) VCF-style: chr2-11853964-G-A.
Other names: c.138+26G>A (NM_001349208.2); c.81+36110G>A (NM_001349207.2).
Identifiers: ClinVar variation 683087 (VCV000683087.6), dbSNP rs4640359, ClinGen allele CA1533299.